The following is an entry in ClinVar:

ClinVar aggregate classification (germline): Uncertain significance. Review status: criteria provided, multiple submitters, no conflicts (2 of 4 stars). 2 submissions from 2 submitters: Uncertain significance (2). Last evaluated 2026-01-15.

Conditions:
Facial palsy, congenital, with ptosis and velopharyngeal dysfunction. Identifiers: MedGen C4540277, MONDO:0060589, OMIM 617732.

gnomAD v4.1: 4 of 1,614,220 alleles (0.00025%); highest among the groups gnomAD compares: South Asian, 0.0011%; no homozygotes.

Submissions (2):

Clinical Genomics Laboratory, Washington University in St. Louis
Classification: Uncertain significance for Facial palsy, congenital, with ptosis and velopharyngeal dysfunction. Last evaluated: 2026-01-15. Review status: criteria provided, single submitter. Criteria: ACMG Guidelines, 2015. Collection method: clinical testing. Allele origin: germline.
Comment: The TUBB6 c.617C>T (p.Ala206Val) variant, to our knowledge, has not been reported in the medical literature. This variant has been reported in the ClinVar database as a germline variant of uncertain significance by one submitter. This variant is only observed in 1/251,474 alleles in the general population (gnomAD v.2.1.1), indicating it is not a common variant. Computational predictors indicate that the variant is damaging, evidence that correlates with impact to TUBB6 function. Due to limited information, the clinical significance of this variant is uncertain.

Ambry Genetics
Classification: Uncertain significance. Last evaluated: 2025-03-27. Review status: criteria provided, single submitter. Criteria: Ambry Variant Classification Scheme 2023. Collection method: clinical testing. Allele origin: germline.

NM_032525.3(TUBB6):c.617C>T (p.Ala206Val)

Gene: TUBB6 (tubulin beta 6 class V; plus strand). Cytogenetic location: 18p11.21.
Variant type: single nucleotide variant.
Coding change: c.617C>T on transcript NM_032525.3 (MANE Select); coding-DNA position 617, C replaced by T.
Protein change: p.Ala206Val; replaces alanine 206 with valine.
Molecular consequence: missense variant. On other transcripts: intron variant (1).
Genome position (GRCh38, 1-based): chr18:12,325,406, C>T. VCF-style: chr18-12325406-C-T. GRCh37 (hg19) VCF-style: chr18-12325405-C-T.
Other names: c.617C>T, p.Ala206Val (NM_001303524.1); c.506C>T, p.Ala169Val (NM_001303526.2); c.401C>T, p.Ala134Val (NM_001303527.2); c.422C>T, p.Ala141Val (NM_001303528.2); c.179C>T, p.Ala60Val (NM_001303529.3, NM_001303530.3); c.278-3740C>T (NM_001303525.2); short protein forms A169V, A134V, A206V, A141V, A60V.
Identifiers: ClinVar variation 3975962 (VCV003975962.2).
Genomic context (GRCh38, chr18:12,325,406, plus strand): 5'-CACTGTCGGTGCACCAGCTGGTGGAGAATACAGACGAGACCTACTGCATCGACAACGAGG[C>T]GCTCTATGACATCTGCTTCCGCACTCTGAAGCTGACAACGCCCACCTACGGGGACCTCAA-3'
Protein context (NP_115914.1, residues 196-216): TDETYCIDNE[Ala206Val]LYDICFRTLK